The following is an entry in ClinVar:

NM_004453.4(ETFDH):c.886G>C (p.Gly296Arg)

Gene: ETFDH (electron transfer flavoprotein dehydrogenase; plus strand). Cytogenetic location: 4q32.1.
Variant type: single nucleotide variant.
Coding change: c.886G>C on transcript NM_004453.4 (MANE Select); coding-DNA position 886, G replaced by C.
Protein change: p.Gly296Arg; replaces glycine 296 with arginine.
Molecular consequence: missense variant.
Genome position (GRCh38, 1-based): chr4:158,697,613, G>C. VCF-style: chr4-158697613-G-C. GRCh37 (hg19) VCF-style: chr4-159618765-G-C.
Other names: p.Gly296Arg; c.745G>C, p.Gly249Arg (NM_001281737.2); c.703G>C, p.Gly235Arg (NM_001281738.1); short protein forms G235R, G249R, G296R.
Identifiers: ClinVar variation 3379568 (VCV003379568.1).

ClinVar aggregate classification (germline): Uncertain significance (1 of 4 stars; one submission).

gnomAD v4.1: 4 of 1,612,722 alleles (0.00025%); highest among the groups gnomAD compares: Non-Finnish European, 0.00034%; no homozygotes.

Submission:

Mayo Clinic Laboratories, Mayo Clinic
Classification: Uncertain significance. Last evaluated: 2023-08-29. Review status: criteria provided, single submitter. Criteria: ACMG Guidelines, 2015. Collection method: clinical testing. Allele origin: germline. Observed: 1 variant allele.
Comment: PP3, PM2_moderate

Literature cited by the submitters: PubMed 21616504.